The following is an entry in ClinVar:

NM_014991.6(WDFY3):c.9644T>C (p.Ile3215Thr)

Gene: WDFY3 (WD repeat and FYVE domain containing 3; minus strand). Cytogenetic location: 4q21.23.
Variant type: single nucleotide variant.
Coding change: c.9644T>C on transcript NM_014991.6 (MANE Select); coding-DNA position 9644, T replaced by C.
Protein change: p.Ile3215Thr; replaces isoleucine 3215 with threonine.
Molecular consequence: missense variant.
Genome position (GRCh38, 1-based): chr4:84,684,025, A>G on the plus strand (T>C on the coding strand, the complement: WDFY3 is on the minus strand). VCF-style: chr4-84684025-A-G. GRCh37 (hg19) VCF-style: chr4-85605178-A-G.
Other names: short protein forms I3215T.
Identifiers: ClinVar variation 4975521 (VCV004975521.1).

ClinVar aggregate classification (germline): Uncertain significance (1 of 4 stars; one submission).

Submission:

GeneDx
Classification: Uncertain significance. Last evaluated: 2026-01-22. Review status: criteria provided, single submitter. Criteria: GeneDx Variant Classification Process June 2021. Collection method: clinical testing. Allele origin: germline.
Comment: Not observed at significant frequency in large population cohorts (gnomAD); In silico analysis supports that this missense variant has a deleterious effect on protein structure/function; Has not been previously published as pathogenic or benign to our knowledge